The following is an entry in ClinVar:

ClinVar aggregate classification (germline): Conflicting classifications of pathogenicity. Review status: criteria provided, conflicting classifications (1 of 4 stars). 4 submissions from 4 submitters: Uncertain significance (1); Benign (1); Likely benign (2). Last evaluated 2025-02-18.

Conditions:
RAD51C-related disorder. Also called: RAD51C-related disorders; RAD51C-related condition.
Hereditary cancer-predisposing syndrome. Also called: Tumor predisposition; Hereditary Cancer Syndrome; Neoplastic Syndromes, Hereditary; Hereditary neoplastic syndrome. Identifiers: Orphanet 140162, MedGen C0027672, MeSH D009386, MONDO:0015356.
Fanconi anemia complementation group O. Also called: RAD51C-Related Fanconi Anemia. Identifiers: Orphanet 84, MedGen C3150653, MONDO:0013248, OMIM 613390.
Breast-ovarian cancer, familial, susceptibility to, 3. Also called: RAD51C-Related Breast/Ovarian Cancer. Identifiers: Orphanet 145, MedGen C3150659, MONDO:0013253, OMIM 613399.

Allele frequency attached by ClinVar (database versions not stated): gnomAD exomes below 0.00001.
gnomAD v4.1: 1 of 1,612,150 alleles (0.000062%); highest among the groups gnomAD compares: Non-Finnish European, 0.000085%; no homozygotes.

Submissions (4):

Myriad Genetics, Inc.
Classification: Benign for Breast-ovarian cancer, familial, susceptibility to, 3. Last evaluated: 2025-02-18. Review status: criteria provided, single submitter. Criteria: Myriad Autosomal Dominant, Autosomal Recessive and X-Linked Classification Criteria (2023). Collection method: clinical testing. Allele origin: unknown.
Comment: This variant is considered benign. This variant is a silent/synonymous amino acid change and it is not expected to impact splicing.

Ambry Genetics
Classification: Likely benign for Hereditary cancer-predisposing syndrome. Last evaluated: 2024-05-02. Review status: criteria provided, single submitter. Criteria: Ambry Variant Classification Scheme 2023. Collection method: clinical testing. Allele origin: germline.

Labcorp Genetics (formerly Invitae), Labcorp
Classification: Likely benign for Fanconi anemia complementation group O. Last evaluated: 2023-07-25. Review status: criteria provided, single submitter. Criteria: Invitae Variant Classification Sherloc (09022015). Collection method: clinical testing. Allele origin: germline.

PreventionGenetics, part of Exact Sciences
Classification: Uncertain significance for RAD51C-related condition. Last evaluated: 2023-04-24. Review status: criteria provided, single submitter. Criteria: ACMG Guidelines, 2015. Collection method: clinical testing. Allele origin: germline.
Comment: The RAD51C c.681A>G variant is not predicted to result in an amino acid change (p.=). This variant is predicted to interfere with splicing (Alamut Visual Plus v1.6.1). To our knowledge, this variant has not been reported in the literature. This variant is reported in 0.00088% of alleles in individuals of European (Non-Finnish) descent in gnomAD. At this time, the clinical significance of this variant is uncertain due to the absence of conclusive functional and genetic evidence.

NM_058216.3(RAD51C):c.681A>G (p.Pro227=)

Genes: RAD51C (RAD51 paralog C; plus strand), LOC129390903 (MPRA-validated peak2919 silencer; plus strand). Cytogenetic location: 17q22.
Variant type: single nucleotide variant.
Coding change: c.681A>G on transcript NM_058216.3 (MANE Select); coding-DNA position 681, A replaced by G.
Protein change: p.Pro227=; no amino-acid change (proline 227 retained).
Molecular consequence: synonymous variant. On other transcripts: non-coding transcript variant (1).
Genome position (GRCh38, 1-based): chr17:58,703,305, A>G. VCF-style: chr17-58703305-A-G. GRCh37 (hg19) VCF-style: chr17-56780666-A-G.
Other names: c.681A>G (NM_058216.1).
Identifiers: ClinVar variation 753318 (VCV000753318.12), dbSNP rs1177043110, ClinGen allele CA501075264.